The following is an entry in ClinVar:

ClinVar aggregate classification (germline): Uncertain significance (1 of 4 stars; one submission).

Allele frequency attached by ClinVar (database versions not stated): gnomAD exomes below 0.00001.
gnomAD v4.1: 1 of 1,614,202 alleles (0.000062%); highest among the groups gnomAD compares: African/African-American, 0.0013%; no homozygotes.

Submission:

Labcorp Genetics (formerly Invitae), Labcorp
Classification: Uncertain significance. Last evaluated: 2022-03-24. Review status: criteria provided, single submitter. Criteria: Invitae Variant Classification Sherloc (09022015). Collection method: clinical testing. Allele origin: germline.
Comment: In summary, the available evidence is currently insufficient to determine the role of this variant in disease. Therefore, it has been classified as a Variant of Uncertain Significance. Algorithms developed to predict the effect of missense changes on protein structure and function (SIFT, PolyPhen-2, Align-GVGD) all suggest that this variant is likely to be tolerated. This variant has not been reported in the literature in individuals affected with TTC37-related conditions. This variant is present in population databases (no rsID available, gnomAD 0.007%). This sequence change replaces glutamic acid, which is acidic and polar, with aspartic acid, which is acidic and polar, at codon 1344 of the TTC37 protein (p.Glu1344Asp).

NM_014639.4(SKIC3):c.4032A>C (p.Glu1344Asp)

Gene: SKIC3 (SKI3 subunit of superkiller complex; minus strand). Cytogenetic location: 5q15.
Variant type: single nucleotide variant.
Coding change: c.4032A>C on transcript NM_014639.4 (MANE Select); coding-DNA position 4032, A replaced by C.
Protein change: p.Glu1344Asp; replaces glutamic acid 1344 with aspartic acid.
Molecular consequence: missense variant.
Genome position (GRCh38, 1-based): chr5:95,484,745, T>G on the plus strand (A>C on the coding strand, the complement: SKIC3 is on the minus strand). VCF-style: chr5-95484745-T-G. GRCh37 (hg19) VCF-style: chr5-94820449-T-G.
Other names: short protein forms E1344D.
Identifiers: ClinVar variation 2116433 (VCV002116433.4), dbSNP rs1304432128, ClinGen allele CA360445376.
Genomic context (GRCh38, chr5:95,484,745, plus strand): 5'-TAAGAATCCATGAGTTTCAATGCACATTCCATAAAATACCTTTGTGCAGAGAGTTTCAGC[T>G]TCAGATATTCTTCCTGTGTCTATTAGACCAGTGACAGCTTGTGAGAGAGACCACTTTTCA-3'
Protein context (NP_055454.1, residues 1334-1354): TGLIDTGRIS[Glu1344Asp]AETLCTKNLK